The following is an entry in ClinVar:

NM_000321.3(RB1):c.2663+1G>T

Gene: RB1 (RB transcriptional corepressor 1; plus strand). Cytogenetic location: 13q14.2.
Variant type: single nucleotide variant.
Coding change: c.2663+1G>T on transcript NM_000321.3 (MANE Select); the canonical splice donor site of the intron after coding-DNA position 2663, G replaced by T.
Molecular consequence: splice donor variant.
Genome position (GRCh38, 1-based): chr13:48,476,844, G>T. VCF-style: chr13-48476844-G-T. GRCh37 (hg19) VCF-style: chr13-49050980-G-T.
Other names: c.2663+1G>T (NM_001407165.1); c.113+1G>T (NM_001407168.1).
Identifiers: ClinVar variation 1076418 (VCV001076418.7), dbSNP rs2138359672, ClinGen allele CA388157675.

ClinVar aggregate classification (germline): Pathogenic (1 of 4 stars; one submission).

Conditions:
Retinoblastoma (RB1). Also called: RETINOBLASTOMA, SOMATIC. Identifiers: Orphanet 790, MedGen C0035335, MeSH D012175, MONDO:0008380, OMIM 180200, HP:0009919. Disease mechanism: loss of function. Inheritance: Both sporadic and heritable forms are tested..

Submission:

Labcorp Genetics (formerly Invitae), Labcorp
Classification: Pathogenic for Retinoblastoma. Last evaluated: 2020-08-16. Review status: criteria provided, single submitter. Criteria: Invitae Variant Classification Sherloc (09022015). Collection method: clinical testing. Allele origin: germline.
Comment: For these reasons, this variant has been classified as Pathogenic. Donor and acceptor splice site variants typically lead to a loss of protein function (PMID: 16199547), and loss-of-function variants in RB1 are known to be pathogenic (PMID: 17096365). Experimental studies have shown that disruption of this splice site affects mRNA splicing (PMID: 18449911). A variant at this splice site has been observed in individual(s) with retinoblastoma (PMID: 18449911). This variant is not present in population databases (ExAC no frequency). This sequence change affects a donor splice site in intron 25 of the RB1 gene. It is expected to disrupt RNA splicing and likely results in an absent or disrupted protein product.

Literature cited by the submitters: PubMed 16199547; PubMed 17096365; PubMed 18449911.